The following is an entry in ClinVar:

ClinVar aggregate classification (germline): Uncertain significance (1 of 4 stars; one submission).

Conditions:
Mitochondrial complex V (ATP synthase) deficiency, nuclear type 2. Also called: MITOCHONDRIAL COMPLEX V (ATP SYNTHASE) DEFICIENCY, TMEM70 TYPE; Nuclear-Encoded ATPase Deficiency, TMEM70-Related; ENCEPHALOCARDIOMYOPATHY, MITOCHONDRIAL, NEONATAL, DUE TO ATP SYNTHASE DEFICIENCY. Identifiers: Orphanet 1194, MedGen C3279699, MONDO:0013546, OMIM 614052.

Submission:

Labcorp Genetics (formerly Invitae), Labcorp
Classification: Uncertain significance for Mitochondrial complex V (ATP synthase) deficiency, nuclear type 2. Last evaluated: 2025-05-12. Review status: criteria provided, single submitter. Criteria: Invitae Variant Classification Sherloc (09022015). Collection method: clinical testing. Allele origin: germline.
Comment: This sequence change creates a premature translational stop signal (p.Lys240*) in the TMEM70 gene. While this is not anticipated to result in nonsense mediated decay, it is expected to disrupt the last 21 amino acid(s) of the TMEM70 protein. This variant is not present in population databases (gnomAD no frequency). This variant has not been reported in the literature in individuals affected with TMEM70-related conditions. ClinVar contains an entry for this variant (Variation ID: 2058345). Experimental studies and prediction algorithms are not available or were not evaluated, and the functional significance of this variant is currently unknown. In summary, the available evidence is currently insufficient to determine the role of this variant in disease. Therefore, it has been classified as a Variant of Uncertain Significance.

NM_017866.6(TMEM70):c.718A>T (p.Lys240Ter)

Gene: TMEM70 (transmembrane protein 70; plus strand). Cytogenetic location: 8q21.11.
Variant type: single nucleotide variant.
Coding change: c.718A>T on transcript NM_017866.6 (MANE Select); coding-DNA position 718, A replaced by T.
Protein change: p.Lys240Ter; replaces lysine 240 with a stop codon.
Molecular consequence: nonsense. On other transcripts: 3 prime UTR variant (1), non-coding transcript variant (1).
Genome position (GRCh38, 1-based): chr8:73,981,556, A>T. VCF-style: chr8-73981556-A-T. GRCh37 (hg19) VCF-style: chr8-74893791-A-T.
Other names: c.*408A>T (NM_001040613.3); short protein forms K240*.
Identifiers: ClinVar variation 2058345 (VCV002058345.4), dbSNP rs1815800902, ClinGen allele CA371490592.